The following is an entry in ClinVar:

NM_003470.3(USP7):c.852-13T>G

Gene: USP7 (ubiquitin specific peptidase 7; minus strand). Cytogenetic location: 16p13.2.
Variant type: single nucleotide variant.
Coding change: c.852-13T>G on transcript NM_003470.3 (MANE Select); 13 bases into the intron before coding-DNA position 852, T replaced by G.
Molecular consequence: intron variant.
Genome position (GRCh38, 1-based): chr16:8,916,569, A>C on the plus strand (T>G on the coding strand, the complement: USP7 is on the minus strand). VCF-style: chr16-8916569-A-C. GRCh37 (hg19) VCF-style: chr16-9010426-A-C.
Other names: c.678-13T>G (NM_001321858.2); c.804-13T>G (NM_001286457.2); c.555-13T>G (NM_001286458.2).
Identifiers: ClinVar variation 4781674 (VCV004781674.1).

ClinVar aggregate classification (germline): Uncertain significance (1 of 4 stars; one submission).

gnomAD v4.1: 1 of 1,530,838 alleles (0.000065%); highest among the groups gnomAD compares: Admixed American, 0.0021%; no homozygotes.

Submission:

Labcorp Genetics (formerly Invitae), Labcorp
Classification: Uncertain significance. Last evaluated: 2025-09-03. Review status: criteria provided, single submitter. Criteria: Invitae Variant Classification Sherloc (09022015). Collection method: clinical testing. Allele origin: germline.
Comment: This sequence change falls in intron 7 of the USP7 gene. It does not directly change the encoded amino acid sequence of the USP7 protein. This variant is present in population databases (no rsID available, gnomAD 0.005%). This variant has not been reported in the literature in individuals affected with USP7-related conditions. Algorithms developed to predict the effect of sequence changes on RNA splicing suggest that this variant may disrupt the consensus splice site. In summary, the available evidence is currently insufficient to determine the role of this variant in disease. Therefore, it has been classified as a Variant of Uncertain Significance.